The following is an entry in ClinVar:

NM_206933.4(USH2A):c.6255_6290del (p.Thr2086_Ile2097del)

Gene: USH2A (usherin; minus strand). Cytogenetic location: 1q41.
Variant type: Deletion.
Coding change: c.6255_6290del on transcript NM_206933.4 (MANE Select); coding-DNA positions 6255 to 6290, 36 bases deleted.
Protein change: p.Thr2086_Ile2097del.
Molecular consequence: inframe deletion.
Genome position (GRCh38, 1-based): chr1:216,046,466-216,046,501, 36 bases deleted; deleting any 36 consecutive bases within chr1:216,046,466-216,046,503 gives the same sequence; the c. name uses the placement nearest the transcript's 3' end. GRCh37 (hg19): chr1:216,219,810-216,219,845.
Identifiers: ClinVar variation 3343387 (VCV003343387.1).

ClinVar aggregate classification (germline): Uncertain significance (1 of 4 stars; one submission).

Submission:

GeneDx
Classification: Uncertain significance. Last evaluated: 2023-05-16. Review status: criteria provided, single submitter. Criteria: GeneDx Variant Classification Process June 2021. Collection method: clinical testing. Allele origin: germline. Affected: yes.
Comment: Not observed at significant frequency in large population cohorts (gnomAD); In-frame deletion of 12 amino acids in a non-repeat region; In silico analysis supports a deleterious effect on protein structure/function; Has not been previously published as pathogenic or benign to our knowledge